The following is an entry in ClinVar:

NM_019892.6(INPP5E):c.843C>T (p.Ser281=)

Gene: INPP5E (inositol polyphosphate-5-phosphatase E; minus strand). Cytogenetic location: 9q34.3.
Variant type: single nucleotide variant.
Coding change: c.843C>T on transcript NM_019892.6 (MANE Select); coding-DNA position 843, C replaced by T.
Protein change: p.Ser281=; no amino-acid change (serine 281 retained).
Molecular consequence: synonymous variant.
Genome position (GRCh38, 1-based): chr9:136,434,833, G>A on the plus strand (C>T on the coding strand, the complement: INPP5E is on the minus strand). VCF-style: chr9-136434833-G-A. GRCh37 (hg19) VCF-style: chr9-139329285-G-A.
Other names: c.843C>T, p.Ser281= (NM_001318502.2); c.843C>T (NM_019892.5).
Identifiers: ClinVar variation 1090679 (VCV001090679.12), dbSNP rs375981295, ClinGen allele CA5337055.

ClinVar aggregate classification (germline): Likely benign. Review status: criteria provided, multiple submitters, no conflicts (2 of 4 stars). 3 submissions from 3 submitters: Likely benign (2). 1 of the submissions does not count toward it. Last evaluated 2025-10-05.

Conditions:
INPP5E-related disorder. Also called: INPP5E-related condition.
Joubert syndrome. Also called: JOUBERT-BOLTSHAUSER SYNDROME; Familial aplasia of the vermis. Identifiers: Orphanet 475, MedGen C5979921, MONDO:0018772.

Allele frequency attached by ClinVar (database versions not stated): gnomAD exomes 0.00002 and 0.00004; TOPMed 0.00002; gnomAD 0.00003 and 0.00004; ExAC 0.00004; ESP Exome Variant Server 0.00008; 1000 Genomes Project 30x 0.00016.

Submissions (3):

Labcorp Genetics (formerly Invitae), Labcorp
Classification: Likely benign for Joubert syndrome. Last evaluated: 2025-10-05. Review status: criteria provided, single submitter. Criteria: Invitae Variant Classification Sherloc (09022015). Collection method: clinical testing. Allele origin: germline.

Blueprint Genetics
Classification: Likely benign. Last evaluated: 2023-09-13. Review status: criteria provided, single submitter. Criteria: ACMG Guidelines, 2015. Collection method: clinical testing. Allele origin: germline.

PreventionGenetics, part of Exact Sciences
Classification: Likely benign for INPP5E-related condition. Last evaluated: 2019-07-24. Review status: no assertion criteria provided. Collection method: clinical testing. Allele origin: germline. Not counted in ClinVar's aggregate classification.
Comment: This variant is classified as likely benign based on ACMG/AMP sequence variant interpretation guidelines (Richards et al. 2015 PMID: 25741868, with internal and published modifications).